The following is an entry in ClinVar:

ClinVar aggregate classification (germline): Uncertain significance (1 of 4 stars; one submission).

Submission:

Dasa
Classification: Uncertain significance. Last evaluated: 2025-01-13. Review status: criteria provided, single submitter. Criteria: DASA Assertion Criteria. Collection method: clinical testing. Allele origin: germline.
Comment: NM_004046.6(ATP5F1A):c.139G>T (p.Gly47Trp) is a missense variant that results in the substitution of glycine with tryptophan. This variant is absent from population databases. Computational prediction algorithms are consistent with a benign effect. The currently available literature and clinical evidence are not sufficient to establish a definitive association between this variant and the reported condition. Therefore, this variant is classified as a variant of uncertain significance.

NM_004046.6(ATP5F1A):c.139G>T (p.Gly47Trp)

Gene: ATP5F1A (ATP synthase F1 subunit alpha; minus strand). Cytogenetic location: 18q21.1.
Variant type: single nucleotide variant.
Coding change: c.139G>T on transcript NM_004046.6 (MANE Select); coding-DNA position 139, G replaced by T.
Protein change: p.Gly47Trp; replaces glycine 47 with tryptophan.
Molecular consequence: missense variant. On other transcripts: 5 prime UTR variant (2).
Genome position (GRCh38, 1-based): chr18:46,095,053, C>A on the plus strand (G>T on the coding strand, the complement: ATP5F1A is on the minus strand). VCF-style: chr18-46095053-C-A. GRCh37 (hg19) VCF-style: chr18-43675019-C-A.
Other names: c.-85G>T (NM_001001935.3); c.139G>T, p.Gly47Trp (NM_001001937.2, NM_001257334.2); c.-12G>T (NM_001257335.2); short protein forms G47W.
Identifiers: ClinVar variation 4886063 (VCV004886063.2).
Genomic context (GRCh38, chr18:46,095,053, plus strand): 5'-TGTATGTAATTTATATCTTCATCTAGTAAGTGCGGCGTAGACTGAGAAATAATAACTTAC[C>A]AGTCTTTTGAAGATGAGTGTTAGAGGCATGGAAGTTCCTTGCAGCAATGAAAGATGAACC-3'
Protein context (NP_004037.1, residues 37-57): HASNTHLQKT[Gly47Trp]TAEMSSILEE